The following is an entry in ClinVar:

NM_001134407.3(GRIN2A):c.2356+11G>A

Gene: GRIN2A (glutamate ionotropic receptor NMDA type subunit 2A; minus strand). Cytogenetic location: 16p13.2.
Variant type: single nucleotide variant.
Coding change: c.2356+11G>A on transcript NM_001134407.3 (MANE Select); 11 bases into the intron after coding-DNA position 2356, G replaced by A.
Molecular consequence: intron variant.
Genome position (GRCh38, 1-based): chr16:9,798,266, C>T on the plus strand (G>A on the coding strand, the complement: GRIN2A is on the minus strand). VCF-style: chr16-9798266-C-T. GRCh37 (hg19) VCF-style: chr16-9892123-C-T.
Other names: c.2356+11G>A (NM_001134408.2, NM_000833.5).
Identifiers: ClinVar variation 265189 (VCV000265189.11), dbSNP rs772691866, ClinGen allele CA7896538.

ClinVar aggregate classification (germline): Conflicting classifications of pathogenicity. Review status: criteria provided, conflicting classifications (1 of 4 stars). 3 submissions from 3 submitters: Uncertain significance (1); Likely benign (2). Last evaluated 2025-09-02.

Conditions:
Landau-Kleffner syndrome (FESD). Also called: EPILEPSY, FOCAL, WITH SPEECH DISORDER AND WITH OR WITHOUT MENTAL RETARDATION; APHASIA, ACQUIRED, WITH EPILEPSY. Identifiers: Orphanet 1945, Orphanet 725, Orphanet 98818, MedGen C0282512, MONDO:0009509, OMIM 245570.

Allele frequency attached by ClinVar (database versions not stated): gnomAD 0.00001; TOPMed 0.00001; gnomAD exomes 0.00001; ExAC 0.00001.
gnomAD v4.1: 29 of 1,611,102 alleles (0.0018%); highest among the groups gnomAD compares: Middle Eastern, 0.016%; no homozygotes.

Submissions (3):

Women's Health and Genetics/Laboratory Corporation of America, LabCorp
Classification: Likely benign. Last evaluated: 2025-09-02. Review status: criteria provided, single submitter. Criteria: LabCorp Variant Classification Summary - May 2015. Collection method: clinical testing. Allele origin: germline.

Labcorp Genetics (formerly Invitae), Labcorp
Classification: Likely benign for Landau-Kleffner syndrome. Last evaluated: 2025-05-30. Review status: criteria provided, single submitter. Criteria: Invitae Variant Classification Sherloc (09022015). Collection method: clinical testing. Allele origin: germline.

GeneDx
Classification: Uncertain significance. Last evaluated: 2016-02-10. Review status: criteria provided, single submitter. Criteria: GeneDx Variant Classification (06012015). Collection method: clinical testing. Allele origin: germline. Affected: yes.
Comment: The c.2356+11 G>A variant has not been published as a pathogenic variant, nor has it been reported as a benign variant to our knowledge. The c.2356+11 G>A variant was not observed in approximately 6,500 individuals of European and African American ancestry in the NHLBI Exome Sequencing Project, indicating it is not a common benign variant in these populations. Several in-silico splice prediction models predict that c.2356+11 G>A creates a cryptic donor site which may supplant the natural donor site and lead to abnormal gene splicing. However, in the absence of RNA/functional studies, the actual effect of this sequence change in this individual is unknown. Therefore, based on the currently available information, it is unclear whether this variant is a pathogenic variant or a rare benign variant.